The following is an entry in ClinVar:

NM_139027.6(ADAMTS13):c.3400+111C>T

Gene: ADAMTS13 (ADAM metallopeptidase with thrombospondin type 1 motif 13; plus strand). Cytogenetic location: 9q34.2.
Variant type: single nucleotide variant.
Coding change: c.3400+111C>T on transcript NM_139027.6 (MANE Select); 111 bases into the intron after coding-DNA position 3400, C replaced by T.
Molecular consequence: intron variant. On other transcripts: missense variant (1).
Genome position (GRCh38, 1-based): chr9:133,455,546, C>T. VCF-style: chr9-133455546-C-T. GRCh37 (hg19) VCF-style: chr9-136320668-C-T.
Other names: p.Pro1171Ser; c.3511C>T (NM_139025.3); c.3511C>T, p.Pro1171Ser (NM_139025.5); c.3307+111C>T (NM_139026.6); short protein forms P1171S.
Identifiers: ClinVar variation 2069547 (VCV002069547.7), dbSNP rs148500446, ClinGen allele CA200944251.

ClinVar aggregate classification (germline): Conflicting classifications of pathogenicity. Review status: criteria provided, conflicting classifications (1 of 4 stars). 4 submissions from 4 submitters: Uncertain significance (1); Likely benign (3). Last evaluated 2026-01-08.

Conditions:
ADAMTS13-related disorder. Also called: ADAMTS13-related condition.
Inborn genetic diseases. Identifiers: MedGen C0950123, MeSH D030342.

Allele frequency attached by ClinVar (database versions not stated): gnomAD exomes 0.00006; ExAC 0.00015; ESP Exome Variant Server 0.00054; gnomAD 0.00064; 1000 Genomes Project 30x 0.00094; TOPMed 0.00098; 1000 Genomes Project 0.00100.
gnomAD v4.1: 184 of 1,610,170 alleles (0.011%); highest among the groups gnomAD compares: African/African-American, 0.16%; no homozygotes.

Submissions (4):

PreventionGenetics, part of Exact Sciences
Classification: Likely benign for ADAMTS13-related condition. Last evaluated: 2026-01-08. Review status: criteria provided, single submitter. Criteria: ACMG Guidelines, 2015. Collection method: clinical testing. Allele origin: germline.
Comment: This variant is classified as likely benign based on ACMG/AMP sequence variant interpretation guidelines (Richards et al. 2015 PMID: 25741868, with internal and published modifications).

Labcorp Genetics (formerly Invitae), Labcorp
Classification: Likely benign. Last evaluated: 2026-01-06. Review status: criteria provided, single submitter. Criteria: Invitae Variant Classification Sherloc (09022015). Collection method: clinical testing. Allele origin: germline.

Mayo Clinic Laboratories, Mayo Clinic
Classification: Likely benign. Last evaluated: 2025-08-11. Review status: criteria provided, single submitter. Criteria: ACMG Guidelines, 2015. Collection method: clinical testing. Allele origin: germline. Observed: 7 variant alleles.
Comment: BS1, BP4_moderate

Ambry Genetics
Classification: Uncertain significance for Inborn genetic diseases. Last evaluated: 2024-09-09. Review status: criteria provided, single submitter. Criteria: Ambry Variant Classification Scheme 2023. Collection method: clinical testing. Allele origin: germline.